The following is an entry in ClinVar:

NM_181332.3(NLGN4X):c.933C>T (p.Thr311=)

Gene: NLGN4X (neuroligin 4 X-linked; minus strand). Cytogenetic location: Xp22.32.
Variant type: single nucleotide variant.
Coding change: c.933C>T on transcript NM_181332.3 (MANE Select); coding-DNA position 933, C replaced by T.
Protein change: p.Thr311=; no amino-acid change (threonine 311 retained).
Molecular consequence: synonymous variant.
Genome position (GRCh38, 1-based): chrX:5,903,745, G>A on the plus strand (C>T on the coding strand, the complement: NLGN4X is on the minus strand). VCF-style: chrX-5903745-G-A. GRCh37 (hg19) VCF-style: chrX-5821786-G-A.
Other names: c.933C>T, p.Thr311= (NM_001282145.2, NM_001282146.2, NM_020742.4).
Identifiers: ClinVar variation 95987 (VCV000095987.14), dbSNP rs7049300, ClinGen allele CA149114.
Genomic context (GRCh38, chrX:5,903,745, plus strand): 5'-GATGGTCTGCTGGATGAGCTCCTTGTAGTTCTTGTTCCGCAGGCATTCTACCATGTCCGT[G>A]GTGTCCAGCATGTTGCAGCCGACCTTGTCTGCCAATATCCGAGTGTACTTGGCCGGCTGG-3'
Protein context (NP_851849.1, residues 301-321): ADKVGCNMLD[Thr311=]TDMVECLRNK

ClinVar aggregate classification (germline): Benign. Review status: criteria provided, multiple submitters, no conflicts (2 of 4 stars). 4 submissions from 4 submitters: Benign (3). 1 of the submissions does not count toward it. Last evaluated 2015-06-26.

Conditions:
Inborn genetic diseases. Identifiers: MedGen C0950123, MeSH D030342.

Allele frequency attached by ClinVar (database versions not stated): ExAC 0.11369; gnomAD exomes 0.11772 and 0.10784; 1000 Genomes Project 0.12079; 1000 Genomes Project 30x 0.12570; gnomAD 0.12847 and 0.13090; TOPMed 0.13223; ESP Exome Variant Server 0.14276.
gnomAD v4.1: 143,725 of 1,209,508 alleles (12%); highest among the groups gnomAD compares: African/African-American, 18%; 6,131 homozygotes.

Submissions (4):

Ambry Genetics
Classification: Benign for Inborn genetic diseases. Last evaluated: 2015-06-26. Review status: criteria provided, single submitter. Criteria: Ambry Variant Classification Scheme 2023. Collection method: clinical testing. Allele origin: germline.

Eurofins Ntd Llc (ga)
Classification: Benign. Last evaluated: 2013-10-16. Review status: criteria provided, single submitter. Criteria: EGL Classification Definitions 2015. Collection method: clinical testing. Allele origin: germline. Observed: 38 variant alleles, 17 heterozygotes, 1 homozygote, 20 hemizygotes.

Breakthrough Genomics
Classification: Benign. Review status: criteria provided, single submitter. Criteria: ACMG Guidelines, 2015. Collection method: not provided. Allele origin: germline. Inheritance: X-linked inheritance. Affected: yes.

Genetic Services Laboratory, University of Chicago
Classification: Likely benign for AllHighlyPenetrant. Review status: no assertion criteria provided. Collection method: clinical testing. Allele origin: germline. Inheritance: X-linked inheritance. Not counted in ClinVar's aggregate classification.
Comment: Likely benign based on allele frequency in 1000 Genomes Project or ESP global frequency and its presence in a patient with a rare or unrelated disease phenotype. NOT Sanger confirmed.